The following is an entry in ClinVar:

ClinVar aggregate classification (germline): Uncertain significance (1 of 4 stars; one submission).

Conditions:
Cortical dysplasia-focal epilepsy syndrome (PTHSL1). Also called: Pitt-Hopkins-like syndrome 1. Identifiers: Orphanet 163681, Orphanet 221150, MedGen C2750246, MONDO:0012400, OMIM 610042.

Allele frequency attached by ClinVar (database versions not stated): gnomAD exomes 0.00001; ExAC 0.00002.
gnomAD v4.1: 10 of 1,614,240 alleles (0.00062%); highest among the groups gnomAD compares: Non-Finnish European, 0.00076%; no homozygotes.

Submission:

Labcorp Genetics (formerly Invitae), Labcorp
Classification: Uncertain significance for Cortical dysplasia-focal epilepsy syndrome. Last evaluated: 2020-05-21. Review status: criteria provided, single submitter. Criteria: Invitae Variant Classification Sherloc (09022015). Collection method: clinical testing. Allele origin: germline.
Comment: In summary, the available evidence is currently insufficient to determine the role of this variant in disease. Therefore, it has been classified as a Variant of Uncertain Significance. Algorithms developed to predict the effect of sequence changes on RNA splicing suggest that this variant may create or strengthen a splice site, but this prediction has not been confirmed by published transcriptional studies. Algorithms developed to predict the effect of missense changes on protein structure and function (SIFT, PolyPhen-2, Align-GVGD) all suggest that this variant is likely to be tolerated, but these predictions have not been confirmed by published functional studies and their clinical significance is uncertain. This variant has not been reported in the literature in individuals with CNTNAP2-related conditions. This variant is present in population databases (rs747060975, ExAC 0.003%). This sequence change replaces asparagine with serine at codon 1314 of the CNTNAP2 protein (p.Asn1314Ser). The asparagine residue is highly conserved and there is a small physicochemical difference between asparagine and serine.

NM_014141.6(CNTNAP2):c.3941A>G (p.Asn1314Ser)

Gene: CNTNAP2 (contactin associated protein 2; plus strand). Cytogenetic location: 7q36.1.
Variant type: single nucleotide variant.
Coding change: c.3941A>G on transcript NM_014141.6 (MANE Select); coding-DNA position 3941, A replaced by G.
Protein change: p.Asn1314Ser; replaces asparagine 1314 with serine.
Molecular consequence: missense variant.
Genome position (GRCh38, 1-based): chr7:148,415,561, A>G. VCF-style: chr7-148415561-A-G. GRCh37 (hg19) VCF-style: chr7-148112653-A-G.
Other names: short protein forms N1314S.
Identifiers: ClinVar variation 1003509 (VCV001003509.7), dbSNP rs747060975, ClinGen allele CA4546850.